The following is an entry in ClinVar:

NM_032638.5(GATA2):c.719C>T (p.Pro240Leu)

Gene: GATA2 (GATA binding protein 2; minus strand). Cytogenetic location: 3q21.3.
Variant type: single nucleotide variant.
Coding change: c.719C>T on transcript NM_032638.5 (MANE Select); coding-DNA position 719, C replaced by T.
Protein change: p.Pro240Leu; replaces proline 240 with leucine.
Molecular consequence: missense variant.
Genome position (GRCh38, 1-based): chr3:128,485,879, G>A on the plus strand (C>T on the coding strand, the complement: GATA2 is on the minus strand). VCF-style: chr3-128485879-G-A. GRCh37 (hg19) VCF-style: chr3-128204722-G-A.
Other names: c.719C>T, p.Pro240Leu (NM_001145661.2, NM_001145662.1); short protein forms P240L.
Identifiers: ClinVar variation 840581 (VCV000840581.7), dbSNP rs2068688798, ClinGen allele CA354406156.

ClinVar aggregate classification (germline): Uncertain significance (1 of 4 stars; one submission).

Conditions:
Deafness-lymphedema-leukemia syndrome. Also called: Emberger syndrome; Lymphedema, primary, with myelodysplasia. Identifiers: Orphanet 3226, MedGen C3279664, MONDO:0013540, OMIM 614038.
Monocytopenia with susceptibility to infections. Also called: GATA2 DEFICIENCY; MONOCYTOPENIA AND MYCOBACTERIAL INFECTION SYNDROME; MONOCYTOPENIA WITH SUSCEPTIBILITY TO MYCOBACTERIAL, FUNGAL, AND PAPILLOMAVIRUS INFECTIONS AND MYELODYSPLASIA; COMBINED IMMUNODEFICIENCY WITH SUSCEPTIBILITY TO MYCOBACTERIAL, VIRAL, AND FUNGAL INFECTIONS; IMMUNODEFICIENCY 21; Dendritic cell, monocyte, B lymphocyte, and natural killer lymphocyte deficiency. Identifiers: Orphanet 228423, MedGen C3280030, MONDO:0013607, OMIM 614172.

Allele frequency attached by ClinVar (database versions not stated): gnomAD exomes below 0.00001.

Submission:

Labcorp Genetics (formerly Invitae), Labcorp
Classification: Uncertain significance for Monocytopenia with susceptibility to infections; Deafness-lymphedema-leukemia syndrome. Last evaluated: 2021-11-23. Review status: criteria provided, single submitter. Criteria: Invitae Variant Classification Sherloc (09022015). Collection method: clinical testing. Allele origin: germline.
Comment: In summary, the available evidence is currently insufficient to determine the role of this variant in disease. Therefore, it has been classified as a Variant of Uncertain Significance. This sequence change replaces proline, which is neutral and non-polar, with leucine, which is neutral and non-polar, at codon 240 of the GATA2 protein (p.Pro240Leu). This variant is not present in population databases (gnomAD no frequency). This variant has not been reported in the literature in individuals affected with GATA2-related conditions. ClinVar contains an entry for this variant (Variation ID: 840581). Advanced modeling of protein sequence and biophysical properties (such as structural, functional, and spatial information, amino acid conservation, physicochemical variation, residue mobility, and thermodynamic stability) performed at Invitae indicates that this missense variant is not expected to disrupt GATA2 protein function.